The following is an entry in ClinVar:

ClinVar aggregate classification (germline): Uncertain significance. Review status: criteria provided, multiple submitters, no conflicts (2 of 4 stars). 2 submissions from 2 submitters: Uncertain significance (2). Last evaluated 2023-05-25.

Conditions:
Aortic aneurysm, familial thoracic 6 (AAT6). Also called: FAMILIAL THORACIC AORTIC ANEURYSM WITH LIVEDO RETICULARIS AND IRIS FLOCCULI. Identifiers: MedGen C2673186, MONDO:0012730, OMIM 611788.

Submissions (2):

Labcorp Genetics (formerly Invitae), Labcorp
Classification: Uncertain significance for Aortic aneurysm, familial thoracic 6. Last evaluated: 2023-05-25. Review status: criteria provided, single submitter. Criteria: Invitae Variant Classification Sherloc (09022015). Collection method: clinical testing. Allele origin: germline.
Comment: This variant has not been reported in the literature in individuals affected with ACTA2-related conditions. In summary, the available evidence is currently insufficient to determine the role of this variant in disease. Therefore, it has been classified as a Variant of Uncertain Significance. Advanced modeling of protein sequence and biophysical properties (such as structural, functional, and spatial information, amino acid conservation, physicochemical variation, residue mobility, and thermodynamic stability) has been performed at Invitae for this missense variant, however the output from this modeling did not meet the statistical confidence thresholds required to predict the impact of this variant on ACTA2 protein function. ClinVar contains an entry for this variant (Variation ID: 423468). This variant is not present in population databases (gnomAD no frequency). This sequence change replaces threonine, which is neutral and polar, with alanine, which is neutral and non-polar, at codon 306 of the ACTA2 protein (p.Thr306Ala).

GeneDx
Classification: Uncertain significance. Last evaluated: 2017-02-20. Review status: criteria provided, single submitter. Criteria: GeneDx Variant Classification (06012015). Collection method: clinical testing. Allele origin: germline. Affected: yes.
Comment: A variant of uncertain significance has been identified in the ACTA2 gene. The T306A variant has not been published as pathogenic or been reported as benign to our knowledge. This variant is not observed in large population cohorts (Lek et al., 2016; 1000 Genomes Consortium et al., 2015; Exome Variant Server). The T306A variant is a non-conservative amino acid substitution, which is likely to impact secondary protein structure as these residues differ in polarity, charge, size and/or other properties. This substitution occurs at a position that is conserved across species and in silico analysis predicts this variant is probably damaging to the protein structure/function. However, this variant lacks observation in a significant number of affected individuals, segregation data, and functional evidence, which would further clarify its pathogenicity.

NM_001613.4(ACTA2):c.916A>G (p.Thr306Ala)

Genes: ACTA2-AS1 (ACTA2 antisense RNA 1; plus strand), ACTA2 (actin alpha 2, smooth muscle; minus strand). Cytogenetic location: 10q23.31.
Variant type: single nucleotide variant.
Coding change: c.916A>G on transcript NM_001613.4 (MANE Select); coding-DNA position 916, A replaced by G.
Protein change: p.Thr306Ala; replaces threonine 306 with alanine.
Molecular consequence: missense variant.
Genome position (GRCh38, 1-based): chr10:88,938,135, T>C on the plus strand (A>G on the coding strand, the complement: ACTA2 is on the minus strand). VCF-style: chr10-88938135-T-C. GRCh37 (hg19) VCF-style: chr10-90697892-T-C.
Other names: c.916A>G, p.Thr306Ala (NM_001141945.3, NM_001320855.2, NM_001406462.1 and 2 more transcripts); c.805A>G, p.Thr269Ala (NM_001406466.1); c.787A>G, p.Thr263Ala (NM_001406467.1, NM_001406468.1, NM_001406469.1); c.724A>G, p.Thr242Ala (NM_001406471.1); short protein forms T306A, T242A, T263A, T269A.
Identifiers: ClinVar variation 423468 (VCV000423468.9), dbSNP rs1064796445, ClinGen allele CA16619076.